The following is an entry in ClinVar:

ClinVar aggregate classification (germline): Likely benign (1 of 4 stars; one submission).

Allele frequency attached by ClinVar (database versions not stated): gnomAD exomes below 0.00001; TOPMed below 0.00001.
gnomAD v4.1: 1 of 1,613,980 alleles (0.000062%); highest among the groups gnomAD compares: African/African-American, 0.0013%; no homozygotes.

Submission:

CeGaT Center for Human Genetics Tuebingen
Classification: Likely benign. Last evaluated: 2022-10-01. Review status: criteria provided, single submitter. Criteria: CeGaT Center For Human Genetics Tuebingen Variant Classification Criteria Version 2. Collection method: clinical testing. Allele origin: germline. Affected: yes. Observed: 1 variant allele.
Comment: PRUNE2: PM2:Supporting, BP4, BP7

NM_015225.3(PRUNE2):c.5070C>T (p.Asp1690=)

Gene: PRUNE2 (prune homolog 2 with BCH domain; minus strand). Cytogenetic location: 9q21.2.
Variant type: single nucleotide variant.
Coding change: c.5070C>T on transcript NM_015225.3 (MANE Select); coding-DNA position 5070, C replaced by T.
Protein change: p.Asp1690=; no amino-acid change (aspartic acid 1690 retained).
Molecular consequence: synonymous variant. On other transcripts: non-coding transcript variant (1).
Genome position (GRCh38, 1-based): chr9:76,707,204, G>A on the plus strand (C>T on the coding strand, the complement: PRUNE2 is on the minus strand). VCF-style: chr9-76707204-G-A. GRCh37 (hg19) VCF-style: chr9-79322120-G-A.
Other names: c.5070C>T, p.Asp1690= (NM_001308047.2, NM_001308048.2).
Identifiers: ClinVar variation 2659261 (VCV002659261.24), dbSNP rs2046374484, ClinGen allele CA465618096.